The following is an entry in ClinVar:

ClinVar aggregate classification (germline): Uncertain significance (1 of 4 stars; one submission).

Conditions:
Early Myoclonic Encephalopathy. Identifiers: MedGen C0270855.

Allele frequency attached by ClinVar (database versions not stated): TOPMed 0.00002.
gnomAD v4.1: 15 of 1,613,888 alleles (0.00093%); highest among the groups gnomAD compares: East Asian, 0.029%; no homozygotes.

Submission:

Labcorp Genetics (formerly Invitae), Labcorp
Classification: Uncertain significance for Early Myoclonic Encephalopathy. Last evaluated: 2023-11-24. Review status: criteria provided, single submitter. Criteria: Invitae Variant Classification Sherloc (09022015). Collection method: clinical testing. Allele origin: germline.
Comment: This sequence change replaces isoleucine, which is neutral and non-polar, with methionine, which is neutral and non-polar, at codon 2144 of the JMJD1C protein (p.Ile2144Met). This variant is present in population databases (no rsID available, gnomAD 0.01%). This variant has not been reported in the literature in individuals affected with JMJD1C-related conditions. Advanced modeling of protein sequence and biophysical properties (such as structural, functional, and spatial information, amino acid conservation, physicochemical variation, residue mobility, and thermodynamic stability) performed at Invitae indicates that this missense variant is not expected to disrupt JMJD1C protein function with a negative predictive value of 80%. In summary, the available evidence is currently insufficient to determine the role of this variant in disease. Therefore, it has been classified as a Variant of Uncertain Significance.

NM_032776.3(JMJD1C):c.6432A>G (p.Ile2144Met)

Gene: JMJD1C (jumonji domain containing 1C; minus strand). Cytogenetic location: 10q21.3.
Variant type: single nucleotide variant.
Coding change: c.6432A>G on transcript NM_032776.3 (MANE Select); coding-DNA position 6432, A replaced by G.
Protein change: p.Ile2144Met; replaces isoleucine 2144 with methionine.
Molecular consequence: missense variant. On other transcripts: non-coding transcript variant (1).
Genome position (GRCh38, 1-based): chr10:63,189,306, T>C on the plus strand (A>G on the coding strand, the complement: JMJD1C is on the minus strand). VCF-style: chr10-63189306-T-C. GRCh37 (hg19) VCF-style: chr10-64949066-T-C.
Other names: c.5886A>G, p.Ile1962Met (NM_001282948.2, NM_001318154.2); c.5568A>G, p.Ile1856Met (NM_001318153.2); c.6318A>G, p.Ile2106Met (NM_001322252.2); c.5775A>G, p.Ile1925Met (NM_001322254.2, NM_001322258.2); short protein forms I2144M, I1925M, I1962M, I1856M, I2106M.
Identifiers: ClinVar variation 2712003 (VCV002712003.3), dbSNP rs1395764087, ClinGen allele CA377024020.